The following is an entry in ClinVar:

ClinVar aggregate classification (germline): Uncertain significance (1 of 4 stars; one submission).

Submission:

GeneDx
Classification: Uncertain significance. Last evaluated: 2019-12-12. Review status: criteria provided, single submitter. Criteria: GeneDx Variant Classification Process June 2021. Collection method: clinical testing. Allele origin: germline. Affected: yes.
Comment: Not observed in large population cohorts (Lek et al., 2016); In silico analysis, which includes protein predictors and evolutionary conservation, supports a deleterious effect; Has not been previously published as pathogenic or benign to our knowledge

NM_020928.2(ZSWIM6):c.844C>A (p.Arg282Ser)

Gene: ZSWIM6 (zinc finger SWIM-type containing 6; plus strand). Cytogenetic location: 5q12.1.
Variant type: single nucleotide variant.
Coding change: c.844C>A on transcript NM_020928.2 (MANE Select); coding-DNA position 844, C replaced by A.
Protein change: p.Arg282Ser; replaces arginine 282 with serine.
Molecular consequence: missense variant.
Genome position (GRCh38, 1-based): chr5:61,472,848, C>A. VCF-style: chr5-61472848-C-A. GRCh37 (hg19) VCF-style: chr5-60768675-C-A.
Other names: short protein forms R282S.
Identifiers: ClinVar variation 1303991 (VCV001303991.2), dbSNP rs2112184670, ClinGen allele CA359941609.
Genomic context (GRCh38, chr5:61,472,848, plus strand): 5'-TGCAGCTGTGGAAACAAGGACATATTTTATTGTGCCCATGTTGTGGCACTGTCTTTATAC[C>A]GCATCCGCAAGCCAGATCAGGTCAAACTGCATCTTCCTATTTCAGAGACTCTCTTTCAAA-3'
Protein context (NP_065979.1, residues 272-292): CAHVVALSLY[Arg282Ser]IRKPDQVKLH